The following is an entry in ClinVar:

NM_000271.5(NPC1):c.2152_2153dup (p.Thr719fs)

Gene: NPC1 (NPC intracellular cholesterol transporter 1; minus strand). Cytogenetic location: 18q11.2.
Variant type: Duplication.
Coding change: c.2152_2153dup on transcript NM_000271.5 (MANE Select); coding-DNA positions 2152 to 2153, 2 bases duplicated (GA; older notation c.2152_2153dupGA).
Protein change: p.Thr719fs; shifts the reading frame from threonine 719.
Molecular consequence: frameshift variant.
Genome position (GRCh38, 1-based): chr18:23,543,547-23,543,548, TC duplicated on the plus strand (GA on the coding strand, the reverse complement: NPC1 is on the minus strand). VCF-style (leftmost placement, unchanged base first): chr18-23543546-T-TTC. GRCh37 (hg19) VCF-style: chr18-21123510-T-TTC.
Other names: short protein forms T719fs.
Identifiers: ClinVar variation 5011621 (VCV005011621.1).

ClinVar aggregate classification (germline): Pathogenic (1 of 4 stars; one submission).

Conditions:
Niemann-Pick disease, type C1. Also called: NEUROVISCERAL STORAGE DISEASE WITH VERTICAL SUPRANUCLEAR OPHTHALMOPLEGIA; NIEMANN-PICK DISEASE WITH CHOLESTEROL ESTERIFICATION BLOCK; NIEMANN-PICK DISEASE WITHOUT SPHINGOMYELINASE DEFICIENCY; NIEMANN-PICK DISEASE, CHRONIC NEURONOPATHIC FORM; NIEMANN-PICK DISEASE, VARIANT TYPE C1. Identifiers: Orphanet 646, MedGen C3179455, MONDO:0009757, OMIM 257220.

Submission:

Myriad Genetics, Inc.
Classification: Pathogenic for Niemann-Pick disease, type C1. Last evaluated: 2023-09-09. Review status: criteria provided, single submitter. Criteria: Myriad Autosomal Dominant, Autosomal Recessive and X-Linked Classification Criteria (2023). Collection method: clinical testing. Allele origin: unknown.
Comment: NM_000271.4(NPC1):c.2152_2153dupGA(T719Kfs*11) is expected to be pathogenic in the context of Niemann-Pick disease type C1. This variant is predicted to lead to an abnormal or absent protein product due to the creation of a premature termination codon in NPC1, a gene where loss-of-function variants are known to be pathogenic. Please note: this variant was assessed in the context of healthy population screening.